The following is an entry in ClinVar:

NM_003002.4(SDHD):c.155C>T (p.Ser52Leu)

Gene: SDHD (succinate dehydrogenase complex subunit D; plus strand). Cytogenetic location: 11q23.1.
Variant type: single nucleotide variant.
Coding change: c.155C>T on transcript NM_003002.4 (MANE Select); coding-DNA position 155, C replaced by T.
Protein change: p.Ser52Leu; replaces serine 52 with leucine.
Molecular consequence: missense variant. On other transcripts: non-coding transcript variant (1), intron variant (1).
Genome position (GRCh38, 1-based): chr11:112,087,959, C>T. VCF-style: chr11-112087959-C-T. GRCh37 (hg19) VCF-style: chr11-111958683-C-T.
Other names: c.155C>T, p.Ser52Leu (NM_001276503.2, NM_001276506.2); c.53-908C>T (NM_001276504.2); short protein forms S52L.
Identifiers: ClinVar variation 1359268 (VCV001359268.8), dbSNP rs587782210, ClinGen allele CA382617105.

ClinVar aggregate classification (germline): Uncertain significance (1 of 4 stars; one submission).

Conditions:
Pheochromocytoma. Also called: MAX-Related Hereditary Paraganglioma-Pheochromocytoma Syndrome. Identifiers: Orphanet 29072, MedGen C0031511, MONDO:0008233, OMIM 171300, HP:0002666.
Paragangliomas with sensorineural hearing loss. Identifiers: MedGen C1868633.
Carney-Stratakis syndrome. Also called: PARAGANGLIOMA AND GASTROINTESTINAL STROMAL TUMOR. Identifiers: Orphanet 97286, MedGen C1847319, MONDO:0011740, OMIM 606864.
Cowden syndrome 3 (CWS3). Identifiers: Orphanet 201, MedGen CN166604, MONDO:0014045.

Submission:

Labcorp Genetics (formerly Invitae), Labcorp
Classification: Uncertain significance for Carney-Stratakis syndrome; Paragangliomas with sensorineural hearing loss; Pheochromocytoma; Cowden syndrome 3. Last evaluated: 2021-06-05. Review status: criteria provided, single submitter. Criteria: Invitae Variant Classification Sherloc (09022015). Collection method: clinical testing. Allele origin: germline.
Comment: In summary, the available evidence is currently insufficient to determine the role of this variant in disease. Therefore, it has been classified as a Variant of Uncertain Significance. Advanced modeling of protein sequence and biophysical properties (such as structural, functional, and spatial information, amino acid conservation, physicochemical variation, residue mobility, and thermodynamic stability) performed at Invitae indicates that this missense variant is expected to disrupt SDHD protein function. This variant has not been reported in the literature in individuals with SDHD-related conditions. This variant is not present in population databases (ExAC no frequency). This sequence change replaces serine with leucine at codon 52 of the SDHD protein (p.Ser52Leu). The serine residue is moderately conserved and there is a large physicochemical difference between serine and leucine.